The following is an entry in ClinVar:

ClinVar aggregate classification (germline): Uncertain significance. Review status: criteria provided, multiple submitters, no conflicts (2 of 4 stars). 2 submissions from 2 submitters: Uncertain significance (2). Last evaluated 2022-05-04.

Allele frequency attached by ClinVar (database versions not stated): gnomAD exomes below 0.00001; TOPMed below 0.00001; ExAC 0.00001.
gnomAD v4.1: 13 of 1,614,114 alleles (0.00081%); highest among the groups gnomAD compares: Non-Finnish European, 0.00093%; no homozygotes.

Submissions (2):

Blueprint Genetics
Classification: Uncertain significance. Last evaluated: 2022-05-04. Review status: criteria provided, single submitter. Criteria: ACMG Guidelines, 2015. Collection method: clinical testing. Allele origin: germline.

Labcorp Genetics (formerly Invitae), Labcorp
Classification: Uncertain significance. Last evaluated: 2022-02-24. Review status: criteria provided, single submitter. Criteria: Invitae Variant Classification Sherloc (09022015). Collection method: clinical testing. Allele origin: germline.
Comment: Algorithms developed to predict the effect of missense changes on protein structure and function (SIFT, PolyPhen-2, Align-GVGD) all suggest that this variant is likely to be tolerated. In summary, the available evidence is currently insufficient to determine the role of this variant in disease. Therefore, it has been classified as a Variant of Uncertain Significance. ClinVar contains an entry for this variant (Variation ID: 844769). This variant has not been reported in the literature in individuals affected with AGBL5-related conditions. This variant is present in population databases (rs775251373, gnomAD 0.0009%). This sequence change replaces alanine, which is neutral and non-polar, with threonine, which is neutral and polar, at codon 844 of the AGBL5 protein (p.Ala844Thr).

NM_021831.6(AGBL5):c.2530G>A (p.Ala844Thr)

Gene: AGBL5 (AGBL carboxypeptidase 5; plus strand). Cytogenetic location: 2p23.3.
Variant type: single nucleotide variant.
Coding change: c.2530G>A on transcript NM_021831.6 (MANE Select); coding-DNA position 2530, G replaced by A.
Protein change: p.Ala844Thr; replaces alanine 844 with threonine.
Molecular consequence: missense variant. On other transcripts: non-coding transcript variant (2).
Genome position (GRCh38, 1-based): chr2:27,070,132, G>A. VCF-style: chr2-27070132-G-A. GRCh37 (hg19) VCF-style: chr2-27293000-G-A.
Other names: short protein forms A844T.
Identifiers: ClinVar variation 844769 (VCV000844769.8), dbSNP rs775251373, ClinGen allele CA1568289.
Genomic context (GRCh38, chr2:27,070,132, plus strand): 5'-CTCTCTCTTTTCTGTTGCAGGCTGCCTCAGGCCAGGCCCCCACGGCCCCGCTCTGCCCCT[G>A]CCTTTTCTCCTATATCCTGTAGTCTATCTGACTCCCCATCCTGGAATTGTTACAGCAGGG-3'
Protein context (NP_068603.4, residues 834-854): ARPPRPRSAP[Ala844Thr]FSPISCSLSD